The following is an entry in ClinVar:

NM_000059.4(BRCA2):c.5878T>G (p.Cys1960Gly)

Gene: BRCA2 (BRCA2 DNA repair associated; plus strand). Cytogenetic location: 13q13.1.
Variant type: single nucleotide variant.
Coding change: c.5878T>G on transcript NM_000059.4 (MANE Select); coding-DNA position 5878, T replaced by G.
Protein change: p.Cys1960Gly; replaces cysteine 1960 with glycine.
Molecular consequence: missense variant.
Genome position (GRCh38, 1-based): chr13:32,340,233, T>G. VCF-style: chr13-32340233-T-G. GRCh37 (hg19) VCF-style: chr13-32914370-T-G.
Other names: short protein forms C1960G.
Identifiers: ClinVar variation 1171448 (VCV001171448.7), dbSNP rs1566233377, ClinGen allele CA387787455.

ClinVar aggregate classification (germline): Conflicting classifications of pathogenicity. Review status: criteria provided, conflicting classifications (1 of 4 stars). 4 submissions from 4 submitters: Uncertain significance (2); Likely benign (2). Last evaluated 2025-11-30.

Conditions:
Hereditary breast ovarian cancer syndrome. Also called: Hereditary breast and ovarian cancer; Hereditary breast and ovarian cancer syndrome; Hereditary breast and/or ovarian cancer syndrome; BRCA1- and BRCA2-Associated Hereditary Breast and Ovarian Cancer; Hereditary breast and ovarian cancer syndrome (HBOC); Breast and ovarian cancer. Identifiers: Orphanet 145, MedGen C0677776, MeSH D061325, MONDO:0003582. Disease mechanism: loss of function.
Hereditary cancer-predisposing syndrome. Also called: Tumor predisposition; Hereditary neoplastic syndrome; Hereditary Cancer Syndrome; Neoplastic Syndromes, Hereditary. Identifiers: Orphanet 140162, MedGen C0027672, MeSH D009386, MONDO:0015356.

Allele frequency attached by ClinVar (database versions not stated): gnomAD exomes below 0.00001; TOPMed below 0.00001.
gnomAD v4.1: 2 of 1,613,996 alleles (0.00012%); highest among the groups gnomAD compares: South Asian, 0.0022%; no homozygotes.

Submissions (4):

Labcorp Genetics (formerly Invitae), Labcorp
Classification: Uncertain significance for Hereditary breast ovarian cancer syndrome. Last evaluated: 2025-11-30. Review status: criteria provided, single submitter. Criteria: Invitae Variant Classification Sherloc (09022015). Collection method: clinical testing. Allele origin: germline.
Comment: This sequence change replaces cysteine, which is neutral and slightly polar, with glycine, which is neutral and non-polar, at codon 1960 of the BRCA2 protein (p.Cys1960Gly). This variant is not present in population databases (gnomAD no frequency). This variant has not been reported in the literature in individuals affected with BRCA2-related conditions. ClinVar contains an entry for this variant (Variation ID: 1171448). Invitae Evidence Modeling of protein sequence and biophysical properties (such as structural, functional, and spatial information, amino acid conservation, physicochemical variation, residue mobility, and thermodynamic stability) indicates that this missense variant is not expected to disrupt BRCA2 protein function with a negative predictive value of 95%. In summary, the available evidence is currently insufficient to determine the role of this variant in disease. Therefore, it has been classified as a Variant of Uncertain Significance.

Ambry Genetics
Classification: Likely benign for Hereditary cancer-predisposing syndrome. Last evaluated: 2025-02-28. Review status: criteria provided, single submitter. Criteria: Ambry Variant Classification Scheme 2023. Collection method: clinical testing. Allele origin: germline.

Color Diagnostics, LLC DBA Color Health
Classification: Uncertain significance for Hereditary cancer-predisposing syndrome. Last evaluated: 2024-03-06. Review status: criteria provided, single submitter. Criteria: ACMG Guidelines, 2015. Collection method: clinical testing. Allele origin: germline.
Comment: This missense variant replaces cysteine with glycine at codon 1960 of the BRCA2 protein. Computational prediction suggests that this variant may not impact protein structure and function (internally defined REVEL score threshold <= 0.5, PMID: 27666373). To our knowledge, functional studies have not been reported for this variant. This variant has not been reported in individuals affected with hereditary cancer in the literature. This variant has not been identified in the general population by the Genome Aggregation Database (gnomAD). The available evidence is insufficient to determine the role of this variant in disease conclusively. Therefore, this variant is classified as a Variant of Uncertain Significance.

University of Washington Department of Laboratory Medicine, University of Washington
Classification: Likely benign for Hereditary cancer-predisposing syndrome. Last evaluated: 2023-03-23. Review status: criteria provided, single submitter. Criteria: Dines et al. (Genet Med. 2020). Collection method: curation. Allele origin: germline.
Comment: Missense variant in a coldspot region where missense variants are very unlikely to be pathogenic (PMID:31911673).

BRCA2 exon 11 coldspot. Reclassification based on statistical prior probability.